The following is an entry in ClinVar:

NM_014908.4(DOLK):c.1456T>A (p.Ser486Thr)

Gene: DOLK (dolichol kinase; minus strand). Cytogenetic location: 9q34.11.
Variant type: single nucleotide variant.
Coding change: c.1456T>A on transcript NM_014908.4 (MANE Select); coding-DNA position 1456, T replaced by A.
Protein change: p.Ser486Thr; replaces serine 486 with threonine.
Molecular consequence: missense variant.
Genome position (GRCh38, 1-based): chr9:128,945,848, A>T on the plus strand (T>A on the coding strand, the complement: DOLK is on the minus strand). VCF-style: chr9-128945848-A-T. GRCh37 (hg19) VCF-style: chr9-131708127-A-T.
Other names: short protein forms S486T.
Identifiers: ClinVar variation 2155082 (VCV002155082.3), dbSNP rs1324713631, ClinGen allele CA375116516.

ClinVar aggregate classification (germline): Conflicting classifications of pathogenicity. Review status: criteria provided, conflicting classifications (1 of 4 stars). 2 submissions from 2 submitters: Uncertain significance (1); Likely benign (1). Last evaluated 2025-09-19.

Conditions:
Cardiovascular phenotype. Identifiers: MedGen CN230736.
DK1-congenital disorder of glycosylation. Also called: DOLK-congenital disorder of glycosylation; Carbohydrate deficient glycoprotein syndrome type 1m; CONGENITAL DISORDER OF GLYCOSYLATION, TYPE Im; CDG Im; DK1-CDG; DK1 DEFICIENCY. Identifiers: Orphanet 91131, MedGen C1835849, MONDO:0012556, OMIM 610768.

Allele frequency attached by ClinVar (database versions not stated): TOPMed below 0.00001; gnomAD exomes 0.00001.

Submissions (2):

Ambry Genetics
Classification: Likely benign for Cardiovascular phenotype. Last evaluated: 2025-09-19. Review status: criteria provided, single submitter. Criteria: Ambry Variant Classification Scheme 2023. Collection method: clinical testing. Allele origin: germline.

Labcorp Genetics (formerly Invitae), Labcorp
Classification: Uncertain significance for DK1-congenital disorder of glycosylation. Last evaluated: 2023-07-17. Review status: criteria provided, single submitter. Criteria: Invitae Variant Classification Sherloc (09022015). Collection method: clinical testing. Allele origin: germline.
Comment: This sequence change replaces serine, which is neutral and polar, with threonine, which is neutral and polar, at codon 486 of the DOLK protein (p.Ser486Thr). This variant is not present in population databases (gnomAD no frequency). This variant has not been reported in the literature in individuals affected with DOLK-related conditions. ClinVar contains an entry for this variant (Variation ID: 2155082). Advanced modeling of protein sequence and biophysical properties (such as structural, functional, and spatial information, amino acid conservation, physicochemical variation, residue mobility, and thermodynamic stability) performed at Invitae indicates that this missense variant is not expected to disrupt DOLK protein function. In summary, the available evidence is currently insufficient to determine the role of this variant in disease. Therefore, it has been classified as a Variant of Uncertain Significance.